The following is an entry in ClinVar:

NM_000303.3(PMM2):c.178G>T (p.Val60Leu)

Gene: PMM2 (phosphomannomutase 2; plus strand). Cytogenetic location: 16p13.2.
Variant type: single nucleotide variant.
Coding change: c.178G>T on transcript NM_000303.3 (MANE Select); coding-DNA position 178, G replaced by T.
Protein change: p.Val60Leu; replaces valine 60 with leucine.
Molecular consequence: missense variant.
Genome position (GRCh38, 1-based): chr16:8,801,910, G>T. VCF-style: chr16-8801910-G-T. GRCh37 (hg19) VCF-style: chr16-8895767-G-T.
Other names: short protein forms V60L.
Identifiers: ClinVar variation 530390 (VCV000530390.27), dbSNP rs759513930, ClinGen allele CA7893913.
Genomic context (GRCh38, chr16:8,801,910, plus strand): 5'-AAAATCGGAGTGGTAGGCGGATCGGACTTTGAGAAAGTGCAGGAGCAACTGGGAAATGAT[G>T]GTAAATGATGGGTTGCTAATTACATCTGGTAAAAGATTAACTTCTTATGAGGATATTGTT-3'
Protein context (NP_000294.1, residues 50-70): EKVQEQLGND[Val60Leu]VEKYDYVFPE

ClinVar aggregate classification (germline): Pathogenic/Likely pathogenic. Review status: criteria provided, multiple submitters, no conflicts (2 of 4 stars). 9 submissions from 9 submitters: Pathogenic (3); Likely pathogenic (4). 2 of the submissions do not count toward it. Last evaluated 2026-01-11.

Conditions:
PMM2-related disorder. Also called: PMM2-related condition.
PMM2-congenital disorder of glycosylation. Also called: JAEKEN SYNDROME; Congenital disorder of glycosylation, type Ia; PHOSPHOMANNOMUTASE 2 DEFICIENCY; CARBOHYDRATE-DEFICIENT GLYCOPROTEIN SYNDROME, TYPE Ia; CDG Ia; PMM2-CDG. Identifiers: Orphanet 79318, MedGen C0349653, MONDO:0008907, OMIM 212065.

Allele frequency attached by ClinVar (database versions not stated): gnomAD 0.00001; gnomAD exomes 0.00002; TOPMed 0.00002; ExAC 0.00004.
gnomAD v4.1: 11 of 1,566,540 alleles (0.0007%); highest among the groups gnomAD compares: Admixed American, 0.018%; no homozygotes.

Submissions (9):

Labcorp Genetics (formerly Invitae), Labcorp
Classification: Pathogenic for PMM2-congenital disorder of glycosylation. Last evaluated: 2026-01-11. Review status: criteria provided, single submitter. Criteria: Invitae Variant Classification Sherloc (09022015). Collection method: clinical testing. Allele origin: germline.
Comment: This sequence change replaces valine, which is neutral and non-polar, with leucine, which is neutral and non-polar, at codon 60 of the PMM2 protein (p.Val60Leu). This variant also falls at the last nucleotide of exon 2, which is part of the consensus splice site for this exon. This variant is present in population databases (rs759513930, gnomAD 0.02%). This missense change has been observed in individual(s) with clinical and biochemical features consistent with PMM2-CDG (internal data). In at least one individual the data is consistent with being in trans (on the opposite chromosome) from a pathogenic variant. ClinVar contains an entry for this variant (Variation ID: 530390). An algorithm developed to predict the effect of missense changes on protein structure and function (PolyPhen-2) suggests that this variant is likely to be tolerated. Variants that disrupt the consensus splice site are a relatively common cause of aberrant splicing (PMID: 17576681, 9536098). Algorithms developed to predict the effect of sequence changes on RNA splicing suggest that this variant may disrupt the consensus splice site. For these reasons, this variant has been classified as Pathogenic.

Natera, Inc.
Classification: Likely pathogenic for Congenital disorder of glycosylation type 1a. Last evaluated: 2025-04-09. Review status: criteria provided, single submitter. Criteria: Natera Variant Classification Schema (03/2026). Collection method: clinical testing. Allele origin: germline.
Comment: The c.178G>T variant in PMM2 is a missense variant predicted to cause substitution of valine to leucine at amino acid 60. This variant is rare in the general population with a frequency below the threshold expected for the associated phenotype(s). This variant has been observed in one or more individuals affected with the associated recessive disease, as either homozygous or compound heterozygous with a second variant (PMID: 34277356, 37224763). Functional studies show that this variant may disrupt protein function (PMID: 34277356). Given the available evidence, this variant is classified as Likely Pathogenic.

GeneDx
Classification: Pathogenic. Last evaluated: 2023-09-14. Review status: criteria provided, single submitter. Criteria: GeneDx Variant Classification Process June 2021. Collection method: clinical testing. Allele origin: germline. Affected: yes.
Comment: Transversion change at the evolutionarily conserved last nucleotide position of exon 2 in a gene for which loss-of-function is a known mechanism of disease. In silico predictors support a potential splicing effect with the adjacent exon out of frame and studies in patient cells support this variant results in abnormal splicing (Gonzlez-Domnguez CA et al., 2021); This variant is associated with the following publications: (PMID: 26633542, 34277356)

Women's Health and Genetics/Laboratory Corporation of America, LabCorp
Classification: Likely pathogenic for PMM2-congenital disorder of glycosylation. Last evaluated: 2023-03-13. Review status: criteria provided, single submitter. Criteria: LabCorp Variant Classification Summary - May 2015. Collection method: clinical testing. Allele origin: germline.
Comment: Variant summary: PMM2 c.178G>T (p.Val60Leu) results in a conservative amino acid change in the encoded protein sequence. Three of five in-silico tools predict a benign effect of the variant on protein function. Several computational tools predict a significant impact on normal splicing: Four predict the variant abolishes the canonical 5' splicing donor site. At least one publication reports experimental evidence that this variant affects mRNA splicing (example:Gonzalez-Dominguez_2021). The variant allele was found at a frequency of 2.4e-05 in 245166 control chromosomes (gnomAD). c.178G>T has been reported in the literature in individuals affected with Congenital Disorder Of Glycosylation and Developmental brain disorder (example: Gonzalez-Dominguez_2021 and Aldinger_2019). Four clinical diagnostic laboratories have submitted clinical-significance assessments for this variant to ClinVar after 2014 and classified the variant as pathogenic/likely pathogenic (n=3) and VUS (n=1). Based on the evidence outlined above, the variant was classified as likely pathogenic.

3billion
Classification: Likely pathogenic for PMM2-congenital disorder of glycosylation. Last evaluated: 2023-02-23. Review status: criteria provided, single submitter. Criteria: ACMG Guidelines, 2015. Collection method: clinical testing. Allele origin: unknown. Affected: yes.
Comment: The variant is observed at an extremely low frequency in the gnomAD v2.1.1 dataset (total allele frequency: 0.003%). Functional studies provide strong evidence of the variant having a damaging effect on the gene or gene product (PMID: 34277356). In silico tool predictions suggest damaging effect of the variant on gene or gene product (REVEL: 0.62; 3Cnet: 0.95). Same nucleotide change resulting in same amino acid change has been previously reported to be associated with PMM2 related disorder (ClinVar ID: VCV000530390 / PMID: 26633542). Therefore, this variant is classified as Likely pathogenic according to the recommendation of ACMG/AMP guideline.

Genomic Diagnostics Laboratory, National Institute of Medical Genomics
Classification: Pathogenic for PMM2-congenital disorder of glycosylation. Last evaluated: 2021-09-01. Review status: criteria provided, single submitter. Criteria: ACMG Guidelines, 2015. Collection method: clinical testing. Allele origin: biparental. Inheritance: Autosomal recessive inheritance. Affected: yes. Observed: 1 compound heterozygote.
Comment: The NM_000303.3:c.178G>T is predicted to cause a miss sense variant p.Val60Leu, but functional analysis of this variant in an RNAm experiment (PMID: 34277356) has identified a Loss of function mechanism (PVS1). This variant was identified in trans with a clearly pathogenic variant (PM3). This variant has a low frequency in our population (0.14 %) and in very low frequency in gnomAD (PM2 version 2.1.1). In summary, this variant meets criteria to be classified as pathogenic for Marfan syndrome based on the ACMG/AMP criteria applied: PVS1, PM3, PM2.

Genomic Medicine Lab, University of California San Francisco
Classification: Likely pathogenic for PMM2-congenital disorder of glycosylation. Last evaluated: 2019-05-30. Review status: criteria provided, single submitter. Criteria: ACMG Guidelines, 2015. Collection method: clinical testing. Allele origin: maternal. Inheritance: Autosomal recessive inheritance. Affected: yes. Study: CSER-P3EGS.

PreventionGenetics, part of Exact Sciences
Classification: Pathogenic for PMM2-related condition. Last evaluated: 2024-09-05. Review status: no assertion criteria provided. Collection method: clinical testing. Allele origin: germline. Not counted in ClinVar's aggregate classification.
Comment: The PMM2 c.178G>T variant is predicted to result in the amino acid substitution p.Val60Leu. This variant has been reported in the compound heterozygous state with a second disease-causing PMM2 variant in multiple individuals with congenital disorder of glycosylation type 1a (PMM2-CDG) (González-Domínguez et al. 2021. PubMed ID: 34277356; De Graef et al. 2023. PubMed ID: 37224763; Hall et al. 2024. PubMed ID: 39216211; PreventionGenetics internal data). It has also been reported in the presumed compound heterozygous state (with p.Arg141His) in a cohort of individuals with cerebellar malformations (Table S9, Aldinger et al. 2019. PubMed ID: 31474318). RNA sequencing analysis performed using cultured patient fibroblasts confirmed that the c.178G>T variant disrupted splicing at the adjacent canonical splice donor site, leading to the activation of two intronic cryptic donor sites (González-Domínguez et al. 2021. PubMed ID: 34277356). The inclusion of intronic sequence in the resulting mRNA is expected to lead to a frameshift (p.Val60Cysfs*3) and premature protein termination. This variant is reported in 0.020% of alleles in individuals of Latino descent in gnomAD. Variants that disrupt the consensus splice donor site in PMM2 are expected to be pathogenic. This variant is interpreted as pathogenic.

Fulgent Genetics
Classification: Uncertain significance for PMM2-congenital disorder of glycosylation. Last evaluated: 2018-10-31. Review status: flagged submission. Criteria: ACMG Guidelines, 2015. Collection method: clinical testing. Allele origin: unknown. Not counted in ClinVar's aggregate classification.
ClinVar note: Reason: Older and outlier claim with insufficient supporting evidence

Literature cited by the submitters: PubMed 17576681 (cited by Labcorp Genetics (formerly Invitae), Labcorp); PubMed 9536098 (cited by Labcorp Genetics (formerly Invitae), Labcorp); PubMed 34277356 (cited by 4 submitters); PubMed 37224763 (cited by Natera, Inc.); PubMed 26633542 (cited by Women's Health and Genetics/Laboratory Corporation of America, LabCorp and 3billion); PubMed 31474318 (cited by Women's Health and Genetics/Laboratory Corporation of America, LabCorp).